The following is an entry in ClinVar:

ClinVar aggregate classification (germline): Benign (0 of 4 stars; one submission).

Conditions:
SAGE1-related disorder. Also called: SAGE1-related condition.

Allele frequency attached by ClinVar (database versions not stated): 1000 Genomes Project 0.16185; 1000 Genomes Project 30x 0.16296; TOPMed 0.21182; gnomAD 0.21457; ESP Exome Variant Server 0.21907; ExAC 0.22229; gnomAD exomes 0.25334.

Submission:

PreventionGenetics, part of Exact Sciences
Classification: Benign for SAGE1-related condition. Last evaluated: 2019-10-23. Review status: no assertion criteria provided. Collection method: clinical testing. Allele origin: germline.
Comment: This variant is classified as benign based on ACMG/AMP sequence variant interpretation guidelines (Richards et al. 2015 PMID: 25741868, with internal and published modifications).

NM_001381902.1(SAGE1):c.1497A>G (p.Gln499=)

Gene: SAGE1 (sarcoma antigen 1; plus strand). Cytogenetic location: Xq26.3.
Variant type: single nucleotide variant.
Coding change: c.1497A>G on transcript NM_001381902.1 (MANE Select); coding-DNA position 1497, A replaced by G.
Protein change: p.Gln499=; no amino-acid change (glutamine 499 retained).
Molecular consequence: synonymous variant.
Genome position (GRCh38, 1-based): chrX:135,908,919, A>G. VCF-style: chrX-135908919-A-G. GRCh37 (hg19) VCF-style: chrX-134991078-A-G.
Other names: c.1497A>G, p.Gln499= (NM_018666.3).
Identifiers: ClinVar variation 3055411 (VCV003055411.2), dbSNP rs5974570, ClinGen allele CA10524193.